The following is an entry in ClinVar:

NM_001261826.3(AP3D1):c.106A>G (p.Ile36Val)

Gene: AP3D1 (adaptor related protein complex 3 subunit delta 1; minus strand). Cytogenetic location: 19p13.3.
Variant type: single nucleotide variant.
Coding change: c.106A>G on transcript NM_001261826.3 (MANE Select); coding-DNA position 106, A replaced by G.
Protein change: p.Ile36Val; replaces isoleucine 36 with valine.
Molecular consequence: missense variant.
Genome position (GRCh38, 1-based): chr19:2,138,705, T>C on the plus strand (A>G on the coding strand, the complement: AP3D1 is on the minus strand). VCF-style: chr19-2138705-T-C. GRCh37 (hg19) VCF-style: chr19-2138704-T-C.
Other names: p.Ile36Val; c.106A>G (NM_003938.5); c.106A>G, p.Ile36Val (NM_001374799.1, NM_003938.8); short protein forms I36V.
Identifiers: ClinVar variation 1425057 (VCV001425057.8), dbSNP rs200421680, ClinGen allele CA9059864.

ClinVar aggregate classification (germline): Uncertain significance. Review status: criteria provided, multiple submitters, no conflicts (2 of 4 stars). 3 submissions from 3 submitters: Uncertain significance (3). Last evaluated 2026-01-08.

Conditions:
Inborn genetic diseases. Identifiers: MedGen C0950123, MeSH D030342.

Allele frequency attached by ClinVar (database versions not stated): gnomAD 0.00009; TOPMed 0.00015; gnomAD exomes 0.00016; ExAC 0.00017; ESP Exome Variant Server 0.00024.
gnomAD v4.1: 243 of 1,612,304 alleles (0.015%); highest among the groups gnomAD compares: Middle Eastern, 0.033%; no homozygotes.

Submissions (3):

Labcorp Genetics (formerly Invitae), Labcorp
Classification: Uncertain significance. Last evaluated: 2026-01-08. Review status: criteria provided, single submitter. Criteria: Invitae Variant Classification Sherloc (09022015). Collection method: clinical testing. Allele origin: germline.
Comment: This sequence change replaces isoleucine, which is neutral and non-polar, with valine, which is neutral and non-polar, at codon 36 of the AP3D1 protein (p.Ile36Val). This variant is present in population databases (rs200421680, gnomAD 0.03%). This variant has not been reported in the literature in individuals affected with AP3D1-related conditions. ClinVar contains an entry for this variant (Variation ID: 1425057). An algorithm developed to predict the effect of missense changes on protein structure and function (PolyPhen-2) suggests that this variant is likely to be disruptive. In summary, the available evidence is currently insufficient to determine the role of this variant in disease. Therefore, it has been classified as a Variant of Uncertain Significance.

Mayo Clinic Laboratories, Mayo Clinic
Classification: Uncertain significance. Last evaluated: 2023-10-11. Review status: criteria provided, single submitter. Criteria: ACMG Guidelines, 2015. Collection method: clinical testing. Allele origin: germline. Observed: 1 variant allele.
Comment: BP4

Ambry Genetics
Classification: Uncertain significance for Inborn genetic diseases. Last evaluated: 2022-12-19. Review status: criteria provided, single submitter. Criteria: Ambry Variant Classification Scheme 2023. Collection method: clinical testing. Allele origin: germline.